The following is an entry in ClinVar:

ClinVar aggregate classification (germline): Conflicting classifications of pathogenicity. Review status: criteria provided, conflicting classifications (1 of 4 stars). 5 submissions from 5 submitters: Uncertain significance (1); Likely benign (3). 1 of the submissions does not count toward it. Last evaluated 2025-12-06.

Conditions:
ATP2A1-related disorder. Also called: ATP2A1-related condition.
Brody myopathy. Also called: BRODY DISEASE. Identifiers: Orphanet 53347, MedGen C1832918, MONDO:0010977, OMIM 601003.

Allele frequency attached by ClinVar (database versions not stated): ESP Exome Variant Server 0.00015; ExAC 0.00020; gnomAD 0.00020; gnomAD exomes 0.00022 and 0.00028; TOPMed 0.00024.
gnomAD v4.1: 353 of 1,611,494 alleles (0.022%); highest among the groups gnomAD compares: Middle Eastern, 0.082%; no homozygotes.

Submissions (5):

Labcorp Genetics (formerly Invitae), Labcorp
Classification: Likely benign for Brody myopathy. Last evaluated: 2025-12-06. Review status: criteria provided, single submitter. Criteria: Invitae Variant Classification Sherloc (09022015). Collection method: clinical testing. Allele origin: germline.

Blueprint Genetics
Classification: Likely benign. Last evaluated: 2024-02-28. Review status: criteria provided, single submitter. Criteria: ACMG Guidelines, 2015. Collection method: clinical testing. Allele origin: germline.

GeneDx
Classification: Likely benign. Last evaluated: 2020-10-19. Review status: criteria provided, single submitter. Criteria: GeneDx Variant Classification Process June 2021. Collection method: clinical testing. Allele origin: germline. Affected: yes.

Illumina Laboratory Services, Illumina
Classification: Uncertain significance for Brody myopathy. Last evaluated: 2018-01-13. Review status: criteria provided, single submitter. Criteria: ICSL Variant Classification Criteria 13 December 2019. Collection method: clinical testing. Allele origin: germline.

PreventionGenetics, part of Exact Sciences
Classification: Likely benign for ATP2A1-related condition. Last evaluated: 2019-05-02. Review status: no assertion criteria provided. Collection method: clinical testing. Allele origin: germline. Not counted in ClinVar's aggregate classification.
Comment: This variant is classified as likely benign based on ACMG/AMP sequence variant interpretation guidelines (Richards et al. 2015 PMID: 25741868, with internal and published modifications).

NM_004320.6(ATP2A1):c.1329A>G (p.Thr443=)

Gene: ATP2A1 (ATPase sarcoplasmic/endoplasmic reticulum Ca2+ transporting 1; plus strand). Cytogenetic location: 16p11.2.
Variant type: single nucleotide variant.
Coding change: c.1329A>G on transcript NM_004320.6 (MANE Select); coding-DNA position 1329, A replaced by G.
Protein change: p.Thr443=; no amino-acid change (threonine 443 retained).
Molecular consequence: synonymous variant.
Genome position (GRCh38, 1-based): chr16:28,894,863, A>G. VCF-style: chr16-28894863-A-G. GRCh37 (hg19) VCF-style: chr16-28906184-A-G.
Other names: c.954A>G, p.Thr318= (NM_001286075.2); c.1329A>G, p.Thr443= (NM_173201.5).
Identifiers: ClinVar variation 318775 (VCV000318775.25), dbSNP rs376915313, ClinGen allele CA7986933.